The following is an entry in ClinVar:

NM_002439.5(MSH3):c.2593C>T (p.Pro865Ser)

Gene: MSH3 (mutS homolog 3; plus strand). Cytogenetic location: 5q14.1.
Variant type: single nucleotide variant.
Coding change: c.2593C>T on transcript NM_002439.5 (MANE Select); coding-DNA position 2593, C replaced by T.
Protein change: p.Pro865Ser; replaces proline 865 with serine.
Molecular consequence: missense variant.
Genome position (GRCh38, 1-based): chr5:80,792,782, C>T. VCF-style: chr5-80792782-C-T. GRCh37 (hg19) VCF-style: chr5-80088601-C-T.
Other names: short protein forms P865S.
Identifiers: ClinVar variation 1463050 (VCV001463050.8), dbSNP rs1744630680, ClinGen allele CA360272935.
Genomic context (GRCh38, chr5:80,792,782, plus strand): 5'-CTTTTTTGCAGACCAACTGTACAAGAAGAAAGAAAAATTGTAATAAAAAATGGAAGGCAC[C>T]CTGTGATTGATGTGTTGCTGGGAGAACAGGATCAATATGTCCCAAATAATACAGATTTAT-3'
Protein context (NP_002430.3, residues 855-875): RKIVIKNGRH[Pro865Ser]VIDVLLGEQD

ClinVar aggregate classification (germline): Uncertain significance (1 of 4 stars; one submission).

Submission:

Labcorp Genetics (formerly Invitae), Labcorp
Classification: Uncertain significance. Last evaluated: 2022-12-20. Review status: criteria provided, single submitter. Criteria: Invitae Variant Classification Sherloc (09022015). Collection method: clinical testing. Allele origin: germline.
Comment: ClinVar contains an entry for this variant (Variation ID: 1463050). Algorithms developed to predict the effect of missense changes on protein structure and function are either unavailable or do not agree on the potential impact of this missense change (SIFT: "Deleterious"; PolyPhen-2: "Probably Damaging"; Align-GVGD: "Class C0"). In summary, the available evidence is currently insufficient to determine the role of this variant in disease. Therefore, it has been classified as a Variant of Uncertain Significance. This variant has not been reported in the literature in individuals affected with MSH3-related conditions. This sequence change replaces proline, which is neutral and non-polar, with serine, which is neutral and polar, at codon 865 of the MSH3 protein (p.Pro865Ser). This variant is not present in population databases (gnomAD no frequency).